The following is an entry in ClinVar:

NM_080764.4(ZNF280B):c.1074A>G (p.Leu358=)

Genes: IGL (immunoglobulin lambda locus; plus strand), ZNF280B (zinc finger protein 280B; minus strand). Cytogenetic location: 22q11.22.
Variant type: single nucleotide variant.
Coding change: c.1074A>G on transcript NM_080764.4 (MANE Select); coding-DNA position 1074, A replaced by G.
Protein change: p.Leu358=; no amino-acid change (leucine 358 retained).
Molecular consequence: synonymous variant. On other transcripts: non-coding transcript variant (1).
Genome position (GRCh38, 1-based): chr22:22,488,325, T>C on the plus strand (A>G on the coding strand, the complement: ZNF280B is on the minus strand). VCF-style: chr22-22488325-T-C. GRCh37 (hg19) VCF-style: chr22-22842650-T-C.
Identifiers: ClinVar variation 4872775 (VCV004872775.2).

ClinVar aggregate classification (germline): Likely benign (1 of 4 stars; one submission).

gnomAD v4.1: 1 of 1,613,860 alleles (0.000062%); highest among the groups gnomAD compares: East Asian, 0.0022%; no homozygotes.

Submission:

CeGaT Center for Human Genetics Tuebingen
Classification: Likely benign. Last evaluated: 2026-05-01. Review status: criteria provided, single submitter. Criteria: CeGaT Center For Human Genetics Tuebingen Variant Classification Criteria Version 2. Collection method: clinical testing. Allele origin: germline. Affected: yes. Observed: 1 variant allele.
Comment: ZNF280B: BP4, BP7